The following is an entry in ClinVar:

ClinVar aggregate classification (germline): Pathogenic (1 of 4 stars; one submission).

Conditions:
Intellectual developmental disorder, X-linked, syndromic, Turner type. Also called: Intellectual disability, X-linked syndromic, Turner type; X-linked intellectual disability, Turner type. Identifiers: Orphanet 3056, Orphanet 85328, MedGen C2678046, MONDO:0010407, OMIM 309590.

Submission:

Institute of Human Genetics, FAU Erlangen, Friedrich-Alexander-Universität Erlangen-Nürnberg
Classification: Pathogenic for Intellectual developmental disorder, X-linked, syndromic, Turner type. Last evaluated: 2025-01-02. Review status: criteria provided, single submitter. Criteria: Hauer et al. (Genet Med. 2018). Collection method: clinical testing. Allele origin: germline. Inheritance: Autosomal dominant inheritance. Affected: yes. Observed: 1 variant allele.
Comment: This variant has been identified by standard clinical testing. Selected ACMG criteria: Pathogenic (III):PP3;PP2;PM2;PM1;PS2

NM_031407.7(HUWE1):c.12091T>C (p.Tyr4031His)

Gene: HUWE1 (HECT, UBA and WWE domain containing E3 ubiquitin protein ligase 1; minus strand). Cytogenetic location: Xp11.22.
Variant type: single nucleotide variant.
Coding change: c.12091T>C on transcript NM_031407.7 (MANE Select); coding-DNA position 12091, T replaced by C.
Protein change: p.Tyr4031His; replaces tyrosine 4031 with histidine.
Molecular consequence: missense variant.
Genome position (GRCh38, 1-based): chrX:53,537,602, A>G on the plus strand (T>C on the coding strand, the complement: HUWE1 is on the minus strand). VCF-style: chrX-53537602-A-G. GRCh37 (hg19) VCF-style: chrX-53564563-A-G.
Other names: c.12043T>C (XM_047441744.1); short protein forms Y4031H.
Identifiers: ClinVar variation 3393024 (VCV003393024.1).